The following is an entry in ClinVar:

ClinVar aggregate classification (germline): Uncertain significance (1 of 4 stars; one submission).

gnomAD v4.1: 5 of 1,614,148 alleles (0.00031%); highest among the groups gnomAD compares: Non-Finnish European, 0.00042%; no homozygotes.

Submission:

GeneDx
Classification: Uncertain significance. Last evaluated: 2024-12-18. Review status: criteria provided, single submitter. Criteria: GeneDx Variant Classification Process June 2021. Collection method: clinical testing. Allele origin: germline. Affected: yes.
Comment: Not observed at significant frequency in large population cohorts (gnomAD); In silico analysis indicates that this missense variant does not alter protein structure/function; Has not been previously published as pathogenic or benign to our knowledge

NM_181703.4(GJA5):c.563G>C (p.Ser188Thr)

Gene: GJA5 (gap junction protein alpha 5; minus strand). Cytogenetic location: 1q21.2.
Variant type: single nucleotide variant.
Coding change: c.563G>C on transcript NM_181703.4 (MANE Select); coding-DNA position 563, G replaced by C.
Protein change: p.Ser188Thr; replaces serine 188 with threonine.
Molecular consequence: missense variant.
Genome position (GRCh38, 1-based): chr1:147,758,676, C>G on the plus strand (G>C on the coding strand, the complement: GJA5 is on the minus strand). VCF-style: chr1-147758676-C-G. GRCh37 (hg19) VCF-style: chr1-147230784-C-G.
Other names: c.563G>C, p.Ser188Thr (NM_005266.7); short protein forms S188T.
Identifiers: ClinVar variation 3906288 (VCV003906288.1).